The following is an entry in ClinVar:

NM_001927.4(DES):c.1371+1G>C

Gene: DES (desmin; plus strand). Cytogenetic location: 2q35.
Variant type: single nucleotide variant.
Coding change: c.1371+1G>C on transcript NM_001927.4 (MANE Select); the canonical splice donor site of the intron after coding-DNA position 1371, G replaced by C.
Molecular consequence: splice donor variant.
Genome position (GRCh38, 1-based): chr2:219,425,746, G>C. VCF-style: chr2-219425746-G-C. GRCh37 (hg19) VCF-style: chr2-220290468-G-C.
Other names: c.1371+1G>C (NM_001382712.1); c.1350+1G>C (NM_001382711.1); c.1302+1G>C (NM_001382710.1); c.939+1G>C (NM_001382709.1); c.1368+1G>C (NM_001382708.1); c.1101+1G>C (NM_001382713.1).
Identifiers: ClinVar variation 201715 (VCV000201715.3), dbSNP rs748323823, ClinGen allele CA308297.
Genomic context (GRCh38, chr2:219,425,746, plus strand): 5'-TCTGAGGTCCATACCAAGAAGACGGTGATGATCAAGACCATCGAGACACGGGATGGGGAG[G>C]TAAGTGGTCTGTCTGGGCTCCTTACCCTTGGTGGGGGCTATGGATGTGTCTGGGGGGACT-3'

ClinVar aggregate classification (germline): Likely pathogenic (1 of 4 stars; one submission).

Submission:

GeneDx
Classification: Likely pathogenic. Last evaluated: 2020-04-14. Review status: criteria provided, single submitter. Criteria: GeneDx Variant Classification Process June 2021. Collection method: clinical testing. Allele origin: germline. Affected: yes.
Comment: Canonical splice site variant predicted to result in a null allele in a gene for which loss-of-function is a known mechanism of disease; Not observed in large population cohorts (Lek et al., 2016); Has not been previously published as pathogenic or benign to our knowledge